The following is an entry in ClinVar:

ClinVar aggregate classification (germline): Uncertain significance (1 of 4 stars; one submission).

Allele frequency attached by ClinVar (database versions not stated): gnomAD exomes 0.00001; TOPMed 0.00002; ESP Exome Variant Server 0.00015; ExAC 0.00002; gnomAD 0.00003.
gnomAD v4.1: 23 of 1,614,012 alleles (0.0014%); highest among the groups gnomAD compares: Middle Eastern, 0.016%; no homozygotes.

Submission:

Labcorp Genetics (formerly Invitae), Labcorp
Classification: Uncertain significance. Last evaluated: 2025-08-09. Review status: criteria provided, single submitter. Criteria: Invitae Variant Classification Sherloc (09022015). Collection method: clinical testing. Allele origin: germline.
Comment: This sequence change replaces valine, which is neutral and non-polar, with isoleucine, which is neutral and non-polar, at codon 3365 of the KMT2A protein (p.Val3365Ile). This variant is present in population databases (rs375852658, gnomAD 0.008%). This variant has not been reported in the literature in individuals affected with KMT2A-related conditions. ClinVar contains an entry for this variant (Variation ID: 2721612). Invitae Evidence Modeling of protein sequence and biophysical properties (such as structural, functional, and spatial information, amino acid conservation, physicochemical variation, residue mobility, and thermodynamic stability) indicates that this missense variant is not expected to disrupt KMT2A protein function with a negative predictive value of 95%. In summary, the available evidence is currently insufficient to determine the role of this variant in disease. Therefore, it has been classified as a Variant of Uncertain Significance.

NM_001197104.2(KMT2A):c.10093G>A (p.Val3365Ile)

Gene: KMT2A (lysine methyltransferase 2A; plus strand). Cytogenetic location: 11q23.3.
Variant type: single nucleotide variant.
Coding change: c.10093G>A on transcript NM_001197104.2 (MANE Select); coding-DNA position 10093, G replaced by A.
Protein change: p.Val3365Ile; replaces valine 3365 with isoleucine.
Molecular consequence: missense variant.
Genome position (GRCh38, 1-based): chr11:118,505,985, G>A. VCF-style: chr11-118505985-G-A. GRCh37 (hg19) VCF-style: chr11-118376700-G-A.
Other names: c.10183G>A, p.Val3395Ile (NM_001412597.1); c.10084G>A, p.Val3362Ile (NM_005933.4); short protein forms V3362I, V3395I, V3365I.
Identifiers: ClinVar variation 2721612 (VCV002721612.3), dbSNP rs375852658, ClinGen allele CA6304682.